The following is an entry in ClinVar:

NM_001127208.3(TET2):c.707A>G (p.Asp236Gly)

Genes: TET2 (tet methylcytosine dioxygenase 2; plus strand), TET2-AS1 (TET2 antisense RNA 1; minus strand). Cytogenetic location: 4q24.
Variant type: single nucleotide variant.
Coding change: c.707A>G on transcript NM_001127208.3 (MANE Select); coding-DNA position 707, A replaced by G.
Protein change: p.Asp236Gly; replaces aspartic acid 236 with glycine.
Molecular consequence: missense variant.
Genome position (GRCh38, 1-based): chr4:105,234,649, A>G. VCF-style: chr4-105234649-A-G. GRCh37 (hg19) VCF-style: chr4-106155806-A-G.
Other names: c.707A>G, p.Asp236Gly (NM_017628.4); short protein forms D236G.
Identifiers: ClinVar variation 3805979 (VCV003805979.1).

ClinVar aggregate classification (germline): Uncertain significance (1 of 4 stars; one submission).

gnomAD v4.1: 1 of 1,614,052 alleles (0.000062%); highest among the groups gnomAD compares: East Asian, 0.0022%; no homozygotes.

Submission:

Ambry Genetics
Classification: Uncertain significance. Last evaluated: 2025-01-19. Review status: criteria provided, single submitter. Criteria: Ambry Variant Classification Scheme 2023. Collection method: clinical testing. Allele origin: germline.
Comment: The p.D236G variant (also known as c.707A>G), located in coding exon 1 of the TET2 gene, results from an A to G substitution at nucleotide position 707. The aspartic acid at codon 236 is replaced by glycine, an amino acid with similar properties. This amino acid position is conserved. In addition, this alteration is predicted to be tolerated by in silico analysis. Based on the available evidence, the clinical significance of this variant remains unclear.